The following is an entry in ClinVar:

NM_004960.4(FUS):c.613_621del (p.Ser205_Gly207del)

Gene: FUS (FUS RNA binding protein; plus strand). Cytogenetic location: 16p11.2.
Variant type: Deletion.
Coding change: c.613_621del on transcript NM_004960.4 (MANE Select); coding-DNA positions 613 to 621, 9 bases deleted (AGCGGTGGC; older notation c.613_621delAGCGGTGGC).
Protein change: p.Ser205_Gly207del.
Molecular consequence: inframe deletion. On other transcripts: non-coding transcript variant (1).
Genome position (GRCh38, 1-based): chr16:31,185,028-31,185,036, AGCGGTGGC deleted; deleting any 9 consecutive bases within chr16:31,185,022-31,185,036 gives the same sequence; the c. name uses the placement nearest the transcript's 3' end. VCF-style (leftmost placement, unchanged base first): chr16-31185021-AGGTGGCAGC-A. GRCh37 (hg19) VCF-style: chr16-31196342-AGGTGGCAGC-A.
Other names: c.610_618del, p.Ser204_Gly206del (NM_001170634.1); c.601_609del, p.Ser201_Gly203del (NM_001170937.1).
Identifiers: ClinVar variation 1751796 (VCV001751796.2), dbSNP rs2544256908, ClinGen allele CA2580091516.
Genomic context (GRCh38, chr16:31,185,021, plus strand): 5'-CTCCATGAGTAGTGGTGGTGGCAGTGGTGGCGGTTATGGCAATCAAGACCAGAGTGGTGG[AGGTGGCAGC>A]GGTGGCTATGGACAGCAGGACCGTGGAGGCCGCGGCAGGGGTGGCAGTGGTGGCGGCGGC-3'

ClinVar aggregate classification (germline): Uncertain significance (1 of 4 stars; one submission).

Conditions:
Inborn genetic diseases. Identifiers: MedGen C0950123, MeSH D030342.

Submission:

Ambry Genetics
Classification: Uncertain significance for Inborn genetic diseases. Last evaluated: 2020-12-23. Review status: criteria provided, single submitter. Criteria: Ambry Variant Classification Scheme 2023. Collection method: clinical testing. Allele origin: germline.
Comment: The c.613_621delAGCGGTGGC variant (also known as p.S205_G207del) is located in coding exon 6 of the FUS gene. This variant results from an in-frame AGCGGTGGC deletion at nucleotide positions 613 to 621. This results in the in-frame deletion of three amino acids between codons 205 and 207. This amino acid region is not well conserved in available vertebrate species. In addition, this alteration is predicted to be neutral by in silico analysis (Choi Y et al. PLoS ONE. 2012; 7(10):e46688). Since supporting evidence is limited at this time, the clinical significance of this alteration remains unclear.